The following is an entry in ClinVar:

ClinVar aggregate classification (germline): Uncertain significance (1 of 4 stars; one submission).

Conditions:
Gastrointestinal stromal tumor. Also called: Gastrointestinal stroma tumor; Gastrointestinal stromal tumor, somatic. Identifiers: Orphanet 44890, MedGen C0238198, MeSH D046152, MONDO:0011719, OMIM 606764, HP:0100723.

Submission:

Labcorp Genetics (formerly Invitae), Labcorp
Classification: Uncertain significance for Gastrointestinal stromal tumor. Last evaluated: 2022-09-22. Review status: criteria provided, single submitter. Criteria: Invitae Variant Classification Sherloc (09022015). Collection method: clinical testing. Allele origin: germline.
Comment: This variant results in a copy number gain of the genomic region encompassing exon(s) 2-21 of the KIT gene. This region includes the termination codon of the gene. This copy number gain extends beyond the assayed region for this gene and therefore may encompass additional genes. As the precise location of this event is unknown, it may be in tandem or it may be located elsewhere in the genome. This variant has not been reported in the literature in individuals affected with KIT-related conditions. Experimental studies and prediction algorithms are not available or were not evaluated, and the functional significance of this variant is currently unknown. In summary, the available evidence is currently insufficient to determine the role of this variant in disease. Therefore, it has been classified as a Variant of Uncertain Significance.

NC_000004.11:g.(?_55561668)_(55604723_?)dup

Gene: KIT (KIT proto-oncogene, receptor tyrosine kinase; plus strand). Cytogenetic location: 4q12.
Variant type: Duplication.
Identifiers: ClinVar variation 1372411 (VCV001372411.11).